The following is an entry in ClinVar:

ClinVar aggregate classification (germline): Likely pathogenic (1 of 4 stars; one submission).

Conditions:
Developmental and epileptic encephalopathy, 62. Also called: Early infantile epileptic encephalopathy 62. Identifiers: MedGen C4693699, MONDO:0033371, OMIM 617938.

Submission:

Clinical Genetics Laboratory, Skane University Hospital Lund
Classification: Likely pathogenic for Developmental and epileptic encephalopathy, 62. Last evaluated: 2026-03-19. Review status: criteria provided, single submitter. Criteria: ACMG Guidelines, 2015. Collection method: clinical testing. Allele origin: germline. Affected: yes.
Comment: PVS1_strong, PM2_supporting, PM6_supporting.

NM_006922.4(SCN3A):c.2565+1G>C

Gene: SCN3A (sodium voltage-gated channel alpha subunit 3; minus strand). Cytogenetic location: 2q24.3.
Variant type: single nucleotide variant.
Coding change: c.2565+1G>C on transcript NM_006922.4 (MANE Select); the canonical splice donor site of the intron after coding-DNA position 2565, G replaced by C.
Molecular consequence: splice donor variant.
Genome position (GRCh38, 1-based): chr2:165,131,243, C>G on the plus strand (G>C on the coding strand, the complement: SCN3A is on the minus strand). VCF-style: chr2-165131243-C-G. GRCh37 (hg19) VCF-style: chr2-165987753-C-G.
Other names: c.2418+1G>C (NM_001081676.2, NM_001081677.2).
Identifiers: ClinVar variation 4813627 (VCV004813627.1).